The following is an entry in ClinVar:

ClinVar aggregate classification (germline): Likely benign. Review status: criteria provided, multiple submitters, no conflicts (2 of 4 stars). 2 submissions from 2 submitters: Likely benign (2). Last evaluated 2026-03-01.

Allele frequency attached by ClinVar (database versions not stated): gnomAD exomes below 0.00001; TOPMed below 0.00001.
gnomAD v4.1: 4 of 1,209,963 alleles (0.00033%); highest among the groups gnomAD compares: African/African-American, 0.0069%; no homozygotes.

Submissions (2):

CeGaT Center for Human Genetics Tuebingen
Classification: Likely benign. Last evaluated: 2026-03-01. Review status: criteria provided, single submitter. Criteria: CeGaT Center For Human Genetics Tuebingen Variant Classification Criteria Version 2. Collection method: clinical testing. Allele origin: germline. Affected: yes. Observed: 2 variant alleles.
Comment: HUWE1: BP4

Labcorp Genetics (formerly Invitae), Labcorp
Classification: Likely benign. Last evaluated: 2023-04-20. Review status: criteria provided, single submitter. Criteria: Invitae Variant Classification Sherloc (09022015). Collection method: clinical testing. Allele origin: germline.

NM_031407.7(HUWE1):c.8085A>G (p.Lys2695=)

Gene: HUWE1 (HECT, UBA and WWE domain containing E3 ubiquitin protein ligase 1; minus strand). Cytogenetic location: Xp11.22.
Variant type: single nucleotide variant.
Coding change: c.8085A>G on transcript NM_031407.7 (MANE Select); coding-DNA position 8085, A replaced by G.
Protein change: p.Lys2695=; no amino-acid change (lysine 2695 retained).
Molecular consequence: synonymous variant.
Genome position (GRCh38, 1-based): chrX:53,558,730, T>C on the plus strand (A>G on the coding strand, the complement: HUWE1 is on the minus strand). VCF-style: chrX-53558730-T-C. GRCh37 (hg19) VCF-style: chrX-53585691-T-C.
Identifiers: ClinVar variation 2877759 (VCV002877759.9), dbSNP rs1556937570, ClinGen allele CA516428423.